The following is an entry in ClinVar:

NM_152641.4(ARID2):c.4181A>T (p.Glu1394Val)

Gene: ARID2 (AT-rich interaction domain 2; plus strand). Cytogenetic location: 12q12.
Variant type: single nucleotide variant.
Coding change: c.4181A>T on transcript NM_152641.4 (MANE Select); coding-DNA position 4181, A replaced by T.
Protein change: p.Glu1394Val; replaces glutamic acid 1394 with valine.
Molecular consequence: missense variant.
Genome position (GRCh38, 1-based): chr12:45,852,304, A>T. VCF-style: chr12-45852304-A-T. GRCh37 (hg19) VCF-style: chr12-46246087-A-T.
Other names: c.4181A>T, p.Glu1394Val (NM_001347839.2); short protein forms E1394V.
Identifiers: ClinVar variation 4976312 (VCV004976312.1).

ClinVar aggregate classification (germline): Uncertain significance (1 of 4 stars; one submission).

Submission:

GeneDx
Classification: Uncertain significance. Last evaluated: 2026-02-05. Review status: criteria provided, single submitter. Criteria: GeneDx Variant Classification Process June 2021. Collection method: clinical testing. Allele origin: germline.
Comment: Not observed at significant frequency in large population cohorts (gnomAD); In silico analysis suggests that this missense variant does not alter protein structure/function; Has not been previously published as pathogenic or benign to our knowledge